The following is an entry in ClinVar:

ClinVar aggregate classification (germline): Uncertain significance (1 of 4 stars; one submission).

Conditions:
Hereditary cancer-predisposing syndrome. Also called: Tumor predisposition; Hereditary Cancer Syndrome; Hereditary neoplastic syndrome; Neoplastic Syndromes, Hereditary. Identifiers: Orphanet 140162, MedGen C0027672, MeSH D009386, MONDO:0015356.

Submission:

Ambry Genetics
Classification: Uncertain significance for Hereditary cancer-predisposing syndrome. Last evaluated: 2024-03-25. Review status: criteria provided, single submitter. Criteria: Ambry Variant Classification Scheme 2023. Collection method: clinical testing. Allele origin: germline.
Comment: The c.308-5A>C intronic variant results from an A to C substitution 5 nucleotides upstream from coding exon 3 in the DICER1 gene. This nucleotide position is not well conserved in available vertebrate species. In silico splice site analysis predicts that this alteration will not have any significant effect on splicing. Based on the available evidence, the clinical significance of this alteration remains unclear.

NM_177438.3(DICER1):c.308-5A>C

Gene: DICER1 (dicer 1, ribonuclease III; minus strand). Cytogenetic location: 14q32.13.
Variant type: single nucleotide variant.
Coding change: c.308-5A>C on transcript NM_177438.3 (MANE Select); 5 bases into the intron before coding-DNA position 308, A replaced by C.
Molecular consequence: intron variant.
Genome position (GRCh38, 1-based): chr14:95,131,644, T>G on the plus strand (A>C on the coding strand, the complement: DICER1 is on the minus strand). VCF-style: chr14-95131644-T-G. GRCh37 (hg19) VCF-style: chr14-95597981-T-G.
Other names: c.308-5A>C (NM_001291628.2, NM_030621.4, NM_001395677.1 and 14 more transcripts); c.33+871A>C (NM_001395690.1, NM_001395687.1, NM_001395689.1 and 3 more transcripts); c.34-13A>C (NM_001395686.1); c.-151-5A>C (NM_001395691.1); c.-1261-5A>C (NM_001395697.1).
Identifiers: ClinVar variation 3271975 (VCV003271975.1).